The following is an entry in ClinVar:

ClinVar aggregate classification (germline): Pathogenic (1 of 4 stars; one submission).

Conditions:
Kabuki syndrome 1 (KABUK1). Also called: KMT2D-Related Kabuki Syndrome. Identifiers: Orphanet 2322, MedGen CN030661, MONDO:0007843, OMIM 147920.

Submission:

Institute of Human Genetics, University of Leipzig Medical Center
Classification: Pathogenic for Kabuki syndrome 1. Last evaluated: 2019-12-09. Review status: criteria provided, single submitter. Criteria: ACMG Guidelines, 2015. Collection method: clinical testing. Allele origin: germline. Affected: yes. Observed: 1 variant allele.
Comment: This variant was identified as de novo (maternity and paternity confirmed).

NM_003482.4(KMT2D):c.8366+2T>G

Gene: KMT2D (lysine methyltransferase 2D; minus strand). Cytogenetic location: 12q13.12.
Variant type: single nucleotide variant.
Coding change: c.8366+2T>G on transcript NM_003482.4 (MANE Select); the canonical splice donor site of the intron after coding-DNA position 8366, T replaced by G.
Molecular consequence: splice donor variant.
Genome position (GRCh38, 1-based): chr12:49,039,220, A>C on the plus strand (T>G on the coding strand, the complement: KMT2D is on the minus strand). VCF-style: chr12-49039220-A-C. GRCh37 (hg19) VCF-style: chr12-49433003-A-C.
Identifiers: ClinVar variation 976265 (VCV000976265.1), dbSNP rs1943368267, ClinGen allele CA384742485.